The following is an entry in ClinVar:

NM_020937.4(FANCM):c.852A>C (p.Arg284Ser)

Gene: FANCM (FA complementation group M; plus strand). Cytogenetic location: 14q21.2.
Variant type: single nucleotide variant.
Coding change: c.852A>C on transcript NM_020937.4 (MANE Select); coding-DNA position 852, A replaced by C.
Protein change: p.Arg284Ser; replaces arginine 284 with serine.
Molecular consequence: missense variant.
Genome position (GRCh38, 1-based): chr14:45,148,929, A>C. VCF-style: chr14-45148929-A-C. GRCh37 (hg19) VCF-style: chr14-45618132-A-C.
Other names: c.774A>C, p.Arg258Ser (NM_001308133.2); c.852A>C, p.Arg284Ser (NM_001308134.2); short protein forms R258S, R284S.
Identifiers: ClinVar variation 5036592 (VCV005036592.1).

ClinVar aggregate classification (germline): Uncertain significance (1 of 4 stars; one submission).

Conditions:
Inborn genetic diseases. Identifiers: MedGen C0950123, MeSH D030342.

Submission:

Ambry Genetics
Classification: Uncertain significance for Inborn genetic diseases. Last evaluated: 2026-06-28. Review status: criteria provided, single submitter. Criteria: Ambry Variant Classification Scheme 2023. Collection method: clinical testing. Allele origin: germline.
Comment: The p.R284S variant (also known as c.852A>C), located in coding exon 4 of the FANCM gene, results from an A to C substitution at nucleotide position 852. The arginine at codon 284 is replaced by serine, an amino acid with dissimilar properties. This amino acid position is conserved. In addition, the in silico prediction for this alteration is inconclusive. Based on the available evidence, the clinical significance of this variant remains unclear.